The following is an entry in ClinVar:

ClinVar aggregate classification (germline): Uncertain significance (1 of 4 stars; one submission).

Conditions:
Candidiasis, familial, 6 (CANDF6). Also called: Candidiasis, familial, 6, autosomal dominant. Identifiers: Orphanet 1334, MedGen C3151405, MONDO:0013503, OMIM 613956.

Submission:

Labcorp Genetics (formerly Invitae), Labcorp
Classification: Uncertain significance for Candidiasis, familial, 6. Last evaluated: 2018-08-08. Review status: criteria provided, single submitter. Criteria: Invitae Variant Classification Sherloc (09022015). Collection method: clinical testing. Allele origin: germline.
Comment: This sequence change replaces phenylalanine with leucine at codon 41 of the IL17F protein (p.Phe41Leu). The phenylalanine residue is weakly conserved and there is a small physicochemical difference between phenylalanine and leucine. This variant is not present in population databases (ExAC no frequency). This variant has not been reported in the literature in individuals with IL17F-related disease. Algorithms developed to predict the effect of missense changes on protein structure and function output the following: SIFT: "Tolerated"; PolyPhen-2: "Benign"; Align-GVGD: "Class C0". The leucine amino acid residue is found in multiple mammalian species, suggesting that this missense change does not adversely affect protein function. These predictions have not been confirmed by published functional studies and their clinical significance is uncertain. In summary, the available evidence is currently insufficient to determine the role of this variant in disease. Therefore, it has been classified as a Variant of Uncertain Significance.

NM_052872.4(IL17F):c.123C>G (p.Phe41Leu)

Gene: IL17F (interleukin 17F; minus strand). Cytogenetic location: 6p12.2.
Variant type: single nucleotide variant.
Coding change: c.123C>G on transcript NM_052872.4 (MANE Select); coding-DNA position 123, C replaced by G.
Protein change: p.Phe41Leu; replaces phenylalanine 41 with leucine.
Molecular consequence: missense variant.
Genome position (GRCh38, 1-based): chr6:52,238,861, G>C on the plus strand (C>G on the coding strand, the complement: IL17F is on the minus strand). VCF-style: chr6-52238861-G-C. GRCh37 (hg19) VCF-style: chr6-52103659-G-C.
Other names: short protein forms F41L.
Identifiers: ClinVar variation 648005 (VCV000648005.1), dbSNP rs1582260865, ClinGen allele CA364445142.
Genomic context (GRCh38, chr6:52,238,861, plus strand): 5'-GATGCCAATGTCAAGCTTCATACTACCTCCTGGCACAGGCGGGCAACTCTCAGGCTTTTG[G>C]AAAAAAGTATGTCCTACTTTGGGGATTTTCCGAGCTGCCGCCTCACTCAGAAAGGCAAGC-3'
Protein context (NP_443104.1, residues 31-51): RKIPKVGHTF[Phe41Leu]QKPESCPPVP